The following is an entry in ClinVar:

ClinVar aggregate classification (germline): Uncertain significance (1 of 4 stars; one submission).

Conditions:
Ataxia-telangiectasia syndrome (AT). Also called: Ataxia-telangiectasia; LOUIS-BAR SYNDROME; Ataxia-telangiectasia, complementation group D; AT, COMPLEMENTATION GROUP C; ATAXIA-TELANGIECTASIA, COMPLEMENTATION GROUP A; ATAXIA-TELANGIECTASIA, FRESNO VARIANT. Identifiers: Orphanet 100, MedGen C0004135, MONDO:0008840, OMIM 208900.

Submission:

Labcorp Genetics (formerly Invitae), Labcorp
Classification: Uncertain significance for Ataxia-telangiectasia syndrome. Last evaluated: 2021-08-02. Review status: criteria provided, single submitter. Criteria: Invitae Variant Classification Sherloc (09022015). Collection method: clinical testing. Allele origin: germline.
Comment: This variant has not been reported in the literature in individuals affected with ATM-related conditions. This sequence change replaces alanine with tyrosine at codon 3054 of the ATM protein (p.Ala3054Tyr). The alanine residue is moderately conserved and there is a moderate physicochemical difference between alanine and tyrosine. Algorithms developed to predict the effect of missense changes on protein structure and function are either unavailable or do not agree on the potential impact of this missense change (SIFT: "Not Available"; PolyPhen-2: "Probably Damaging"; Align-GVGD: "Not Available"). In summary, the available evidence is currently insufficient to determine the role of this variant in disease. Therefore, it has been classified as a Variant of Uncertain Significance. The frequency data for this variant in the population databases is not available, as this variant may be reported as separate entries in the ExAC database.

NM_000051.4(ATM):c.9160_9161delinsTA (p.Ala3054Tyr)

Genes: ATM (ATM serine/threonine kinase; plus strand), C11orf65 (chromosome 11 open reading frame 65; minus strand). Cytogenetic location: 11q22.3.
Variant type: Indel.
Coding change: c.9160_9161delinsTA on transcript NM_000051.4 (MANE Select); coding-DNA positions 9160 to 9161, GC replaced by TA.
Protein change: p.Ala3054Tyr; replaces alanine 3054 with tyrosine.
Molecular consequence: missense variant. On other transcripts: intron variant (2).
Genome position (GRCh38, 1-based): chr11:108,365,497-108,365,498, GC replaced by TA. VCF-style: chr11-108365497-GC-TA. GRCh37 (hg19) VCF-style: chr11-108236224-GC-TA.
Other names: c.9160_9161delinsTA, p.Ala3054Tyr (NM_001351834.2); c.640+20422_640+20423delinsTA (NM_001330368.2); c.694+20422_694+20423delinsTA (NM_001351110.2); short protein forms A3054Y.
Identifiers: ClinVar variation 1437864 (VCV001437864.7), dbSNP rs2137930126, ClinGen allele CA2573146574.